The following is an entry in ClinVar:

NM_000344.4(SMN1):c.82-2596_723+467del

Gene: SMN1 (survival of motor neuron 1, telomeric). Cytogenetic location: 5q13.2.
Variant type: Deletion.
Coding change: c.82-2596_723+467del on transcript NM_000344.4 (MANE Select); 2596 bases into the intron before coding-DNA position 82 through 467 bases into the intron after coding-DNA position 723, this stretch deleted.
Molecular consequence: splice acceptor variant, splice donor variant.
Genome position: GRCh38: chr5:70,936,243-70,945,220. GRCh37 (hg19): chr5:70,232,070-70,241,047.
Other names: c.82-2596_723+467del (NM_001297715.1); c.82-2596_628-846del (NM_022874.2).
Identifiers: ClinVar variation 3338105 (VCV003338105.2).

ClinVar aggregate classification (germline): Pathogenic (1 of 4 stars; one submission).

Conditions:
Spinal muscular atrophy, type II (SMA2). Also called: MUSCULAR ATROPHY, SPINAL, INFANTILE CHRONIC FORM; MUSCULAR ATROPHY, SPINAL, INTERMEDIATE TYPE; SMA II. Identifiers: Orphanet 70, Orphanet 83418, MedGen C0393538, MONDO:0009673, OMIM 253550.

Submission:

Tianjin Key Laboratory of Birth Defects for Prevention and Treatment, Tianjin Children’s Hospital
Classification: Pathogenic for Spinal muscular atrophy, type II. Review status: criteria provided, single submitter. Criteria: ACMG Guidelines, 2015. Collection method: clinical testing. Allele origin: paternal. Inheritance: Autosomal recessive inheritance. Affected: yes.
Comment: NC_000005.9: g.70232070_70241047del (NM_000344.4: c.82-2596_723+467del) is a rare SMN1 structural variant characterized by deletions of multiple exons (Exons 2a, 2b, 3, 4, and 5). This variant results in the loss of substantial coding regions of biologically significant transcripts, potentially leading to a functionally compromised truncated protein. This evidence supports the application of PVS1 criteria. Interestingly, Jedlickova I et al. reported a similar mutation(NC_000005.9:g.70232118-70241095del; NM_000344.3:c.82-2548_723+515del) and performed genetic analysis of SMN expression in PBMCs from the patient's families.(PMID: 32337852). Both mutations involve a deletion of 8978bp, with breakpoints located in intron 1 and intron 5. In summary, according to the ACMG/AMP sequence variant classification guidelines for single-gene copy number variants (PMID:31534211), the variant was ultimately classified as "pathogenic".

Literature cited by the submitters: DOI 10.1038/s41436-019-0655-2.